The following is an entry in ClinVar:

NC_012920.1(MT-ATP8):m.8516T>C

Gene: MT-ATP8 (mitochondrially encoded ATP synthase 8; plus strand).
Variant type: single nucleotide variant.
Genome position: chrM-8516-T-C.
Identifiers: ClinVar variation 692884 (VCV000692884.1), dbSNP rs878928585, ClinGen allele CA337097904.
Genomic context (GRCh38, chrMT:8,516, plus strand): 5'-ACAAACTACCACCTACCTCCCTCACCAAAGCCCATAAAAATAAAAAATTATAACAAACCC[T>C]GAGAACCAAAATGAACGAAAATCTGTTCGCTTCATTCATTGCCCCCACAATCCTAGGCCT-3'

ClinVar aggregate classification (germline): Likely benign (1 of 4 stars; one submission).

Conditions:
Leigh syndrome (NULS). Also called: Leigh's necrotizing encephalopathy; Leigh's disease; Leigh Syndrome (mtDNA deletion); Leigh Disease; Subacute necrotizing encephalopathy; Necrotizing encephalopathy infantile subacute of Leigh. Identifiers: Orphanet 506, MedGen C2931891, MONDO:0009723, OMIM 256000.

Submission:

Wong Mito Lab, Molecular and Human Genetics, Baylor College of Medicine
Classification: Likely benign for Leigh syndrome. Last evaluated: 2019-10-17. Review status: criteria provided, single submitter. Criteria: Modified ACMG Guidelines (Unpublished). Collection method: clinical testing. Allele origin: germline.
Comment: The NC_012920.1:m.8516T>C (YP_003024030.1:p.Trp51Arg) variant in MTATP8 gene is interpretated to be a Likely Benign variant based on the modified ACMG guidelines (unpublished). This variant meets the following evidence codes: BS4, BP5